The following is an entry in ClinVar:

ClinVar aggregate classification (germline): Uncertain significance. Review status: criteria provided, multiple submitters, no conflicts (2 of 4 stars). 5 submissions from 5 submitters: Uncertain significance (4). 1 of the submissions does not count toward it. Last evaluated 2024-08-05.

Conditions:
Agenesis of the corpus callosum with peripheral neuropathy (ACCPN). Also called: Hereditary Motor and Sensory Neuropathy with Agenesis of the Corpus Callosum; CHARLEVOIX DISEASE; POLYNEUROPATHY, SENSORIMOTOR, WITH OR WITHOUT AGENESIS OF THE CORPUS CALLOSUM; HMSN/ACC. Identifiers: Orphanet 1496, MedGen C0795950, MONDO:0000902, OMIM 218000. Disease mechanism: loss of function.
Charcot-Marie-Tooth disease, axonal, IIa 2II. Also called: CHARCOT-MARIE-TOOTH NEUROPATHY, TYPE 2II; Charcot-Marie-Tooth disease, axonal, type 2II; Charcot-marie-tooth disease, axonal,IIa 2II. Identifiers: MedGen C5774227, MONDO:0031068, OMIM 620068.

Allele frequency attached by ClinVar (database versions not stated): TOPMed 0.00005; gnomAD 0.00006; gnomAD exomes 0.00007; ExAC 0.00008; ESP Exome Variant Server 0.00008.
gnomAD v4.1: 102 of 1,612,292 alleles (0.0063%); highest among the groups gnomAD compares: Admixed American, 0.0083%; no homozygotes.

Submissions (5):

Labcorp Genetics (formerly Invitae), Labcorp
Classification: Uncertain significance. Last evaluated: 2024-08-05. Review status: criteria provided, single submitter. Criteria: Invitae Variant Classification Sherloc (09022015). Collection method: clinical testing. Allele origin: germline.
Comment: This sequence change replaces valine, which is neutral and non-polar, with methionine, which is neutral and non-polar, at codon 555 of the SLC12A6 protein (p.Val555Met). This variant is present in population databases (rs140635276, gnomAD 0.01%). This variant has not been reported in the literature in individuals affected with SLC12A6-related conditions. ClinVar contains an entry for this variant (Variation ID: 886642). Advanced modeling of protein sequence and biophysical properties (such as structural, functional, and spatial information, amino acid conservation, physicochemical variation, residue mobility, and thermodynamic stability) performed at Invitae indicates that this missense variant is not expected to disrupt SLC12A6 protein function with a negative predictive value of 80%. In summary, the available evidence is currently insufficient to determine the role of this variant in disease. Therefore, it has been classified as a Variant of Uncertain Significance.

Department of Pathology and Laboratory Medicine, Sinai Health System
Classification: Uncertain significance for Agenesis of the corpus callosum with peripheral neuropathy; Charcot-Marie-Tooth disease, axonal, IIa 2II. Last evaluated: 2022-04-07. Review status: criteria provided, single submitter. Criteria: ACMG Guidelines, 2015. Collection method: research. Allele origin: germline.

Illumina Laboratory Services, Illumina
Classification: Uncertain significance for Agenesis of the corpus callosum with peripheral neuropathy. Last evaluated: 2018-01-12. Review status: criteria provided, single submitter. Criteria: ICSL Variant Classification Criteria 13 December 2019. Collection method: clinical testing. Allele origin: germline.

Breakthrough Genomics
Classification: Uncertain significance. Review status: criteria provided, single submitter. Criteria: ACMG Guidelines, 2015. Collection method: not provided. Allele origin: germline. Inheritance: Autosomal recessive inheritance. Affected: yes.

Natera, Inc.
Classification: Uncertain significance for Andermann syndrome. Last evaluated: 2020-04-18. Review status: no assertion criteria provided. Collection method: clinical testing. Allele origin: germline. Not counted in ClinVar's aggregate classification.

NM_001365088.1(SLC12A6):c.1663G>A (p.Val555Met)

Gene: SLC12A6 (solute carrier family 12 member 6; minus strand). Cytogenetic location: 15q14.
Variant type: single nucleotide variant.
Coding change: c.1663G>A on transcript NM_001365088.1 (MANE Select); coding-DNA position 1663, G replaced by A.
Protein change: p.Val555Met; replaces valine 555 with methionine.
Molecular consequence: missense variant.
Genome position (GRCh38, 1-based): chr15:34,245,854, C>T on the plus strand (G>A on the coding strand, the complement: SLC12A6 is on the minus strand). VCF-style: chr15-34245854-C-T. GRCh37 (hg19) VCF-style: chr15-34538055-C-T.
Other names: c.1486G>A, p.Val496Met (NM_001042494.2, NM_001042495.2); c.1636G>A, p.Val546Met (NM_001042496.2); c.1618G>A, p.Val540Met (NM_001042497.2); c.1510G>A, p.Val504Met (NM_005135.2); c.1663G>A, p.Val555Met (NM_133647.2); short protein forms V496M, V504M, V555M, V540M, V546M.
Identifiers: ClinVar variation 886642 (VCV000886642.9), dbSNP rs140635276, ClinGen allele CA7464237.